The following is an entry in ClinVar:

ClinVar aggregate classification (germline): Uncertain significance (1 of 4 stars; one submission).

Conditions:
Cardiovascular phenotype. Identifiers: MedGen CN230736.

Submission:

Ambry Genetics
Classification: Uncertain significance for Cardiovascular phenotype. Last evaluated: 2026-03-11. Review status: criteria provided, single submitter. Criteria: Ambry Variant Classification Scheme 2023. Collection method: clinical testing. Allele origin: germline.
Comment: The p.I2260M variant (also known as c.6780A>G), located in coding exon 24 of the DSP gene, results from an A to G substitution at nucleotide position 6780. The isoleucine at codon 2260 is replaced by methionine, an amino acid with highly similar properties. This amino acid position is conserved. In addition, the in silico prediction for this alteration is inconclusive. Based on the available evidence, the clinical significance of this variant remains unclear.

NM_004415.4(DSP):c.6780A>G (p.Ile2260Met)

Gene: DSP (desmoplakin; plus strand). Cytogenetic location: 6p24.3.
Variant type: single nucleotide variant.
Coding change: c.6780A>G on transcript NM_004415.4 (MANE Select); coding-DNA position 6780, A replaced by G.
Protein change: p.Ile2260Met; replaces isoleucine 2260 with methionine.
Molecular consequence: missense variant.
Genome position (GRCh38, 1-based): chr6:7,584,042, A>G. VCF-style: chr6-7584042-A-G. GRCh37 (hg19) VCF-style: chr6-7584275-A-G.
Other names: c.4983A>G, p.Ile1661Met (NM_001008844.3); c.5451A>G, p.Ile1817Met (NM_001319034.2); short protein forms I1661M, I2260M, I1817M.
Identifiers: ClinVar variation 4827473 (VCV004827473.1).